The following is an entry in ClinVar:

ClinVar aggregate classification (germline): Uncertain significance (1 of 4 stars; one submission).

Conditions:
Cardiovascular phenotype. Identifiers: MedGen CN230736.

Submission:

Ambry Genetics
Classification: Uncertain significance for Cardiovascular phenotype. Last evaluated: 2026-09-14. Review status: criteria provided, single submitter. Criteria: Ambry Variant Classification Scheme 2023. Collection method: clinical testing. Allele origin: germline.
Comment: The p.D241Y variant (also known as c.721G>T), located in coding exon 6 of the TBX5 gene, results from a G to T substitution at nucleotide position 721. The aspartic acid at codon 241 is replaced by tyrosine, an amino acid with highly dissimilar properties. This amino acid position is conserved. In addition, this alteration is predicted to be deleterious by in silico analysis. Based on the available evidence, the clinical significance of this variant remains unclear.

NM_181486.4(TBX5):c.721G>T (p.Asp241Tyr)

Gene: TBX5 (T-box transcription factor 5; minus strand). Cytogenetic location: 12q24.21.
Variant type: single nucleotide variant.
Coding change: c.721G>T on transcript NM_181486.4 (MANE Select); coding-DNA position 721, G replaced by T.
Protein change: p.Asp241Tyr; replaces aspartic acid 241 with tyrosine.
Molecular consequence: missense variant.
Genome position (GRCh38, 1-based): chr12:114,385,510, C>A on the plus strand (G>T on the coding strand, the complement: TBX5 is on the minus strand). VCF-style: chr12-114385510-C-A. GRCh37 (hg19) VCF-style: chr12-114823315-C-A.
Other names: c.721G>T, p.Asp241Tyr (NM_000192.3); c.571G>T, p.Asp191Tyr (NM_080717.4); short protein forms D241Y, D191Y.
Identifiers: ClinVar variation 5030566 (VCV005030566.1).